The following is an entry in ClinVar:

NM_002661.5(PLCG2):c.3034C>T (p.Leu1012Phe)

Gene: PLCG2 (phospholipase C gamma 2; plus strand). Cytogenetic location: 16q23.3.
Variant type: single nucleotide variant.
Coding change: c.3034C>T on transcript NM_002661.5 (MANE Select); coding-DNA position 3034, C replaced by T.
Protein change: p.Leu1012Phe; replaces leucine 1012 with phenylalanine.
Molecular consequence: missense variant.
Genome position (GRCh38, 1-based): chr16:81,936,360, C>T. VCF-style: chr16-81936360-C-T. GRCh37 (hg19) VCF-style: chr16-81969965-C-T.
Other names: short protein forms L1012F.
Identifiers: ClinVar variation 643662 (VCV000643662.10), dbSNP rs1597143704, ClinGen allele CA396906229.

ClinVar aggregate classification (germline): Uncertain significance. Review status: criteria provided, multiple submitters, no conflicts (2 of 4 stars). 2 submissions from 2 submitters: Uncertain significance (2). Last evaluated 2021-09-15.

Conditions:
Autoinflammation-PLCG2-associated antibody deficiency-immune dysregulation. Also called: Autoinflammation, antibody deficiency, and immune dysregulation, plcg2-associated; AUTOINFLAMMATION, ANTIBODY DEFICIENCY, AND IMMUNE DYSREGULATION; Autoinflammation, antibody deficiency, and immune dysregulation syndrome. Identifiers: Orphanet 324530, MedGen C3553961, MONDO:0013944, OMIM 614878.
Familial cold autoinflammatory syndrome 3 (FCAS3). Also called: FAMILIAL ATYPICAL COLD URTICARIA; ANTIBODY DEFICIENCY AND IMMUNE DYSREGULATION, PLCG2-ASSOCIATED. Identifiers: Orphanet 300359, MedGen C3280914, MONDO:0013766, OMIM 614468.

Allele frequency attached by ClinVar (database versions not stated): TOPMed below 0.00001; gnomAD 0.00001.
gnomAD v4.1: 3 of 1,613,830 alleles (0.00019%); highest among the groups gnomAD compares: Non-Finnish European, 0.00025%; no homozygotes.

Submissions (2):

Fulgent Genetics
Classification: Uncertain significance for Familial cold autoinflammatory syndrome 3; Autoinflammation-PLCG2-associated antibody deficiency-immune dysregulation. Last evaluated: 2021-09-15. Review status: criteria provided, single submitter. Criteria: ACMG Guidelines, 2015. Collection method: clinical testing. Allele origin: unknown.

Labcorp Genetics (formerly Invitae), Labcorp
Classification: Uncertain significance for Familial cold autoinflammatory syndrome 3. Last evaluated: 2018-10-07. Review status: criteria provided, single submitter. Criteria: Invitae Variant Classification Sherloc (09022015). Collection method: clinical testing. Allele origin: germline.
Comment: This variant is not present in population databases (ExAC no frequency). This sequence change replaces leucine with phenylalanine at codon 1012 of the PLCG2 protein (p.Leu1012Phe). The leucine residue is highly conserved and there is a small physicochemical difference between leucine and phenylalanine. This variant has not been reported in the literature in individuals with PLCG2-related disease. In summary, the available evidence is currently insufficient to determine the role of this variant in disease. Therefore, it has been classified as a Variant of Uncertain Significance. Algorithms developed to predict the effect of missense changes on protein structure and function are either unavailable or do not agree on the potential impact of this missense change (SIFT: "Deleterious"; PolyPhen-2: "Probably Damaging"; Align-GVGD: "Class C15").